The following is an entry in ClinVar:

ClinVar aggregate classification (germline): Uncertain significance (1 of 4 stars; one submission).

Conditions:
Primary familial hypertrophic cardiomyopathy (HCM). Identifiers: Orphanet 99739, MedGen C0949658, MeSH D024741, MONDO:0024573. Inheritance: Various modes of inheritance.
Dilated cardiomyopathy 1AA (CMD1AA). Also called: Cardiomyopathy, dilated, 1AA, with or without LVNC; CARDIOMYOPATHY, DILATED, 1AA, WITH OR WITHOUT LEFT VENTRICULAR NONCOMPACTION; CARDIOMYOPATHY, FAMILIAL HYPERTROPHIC, 23, WITH OR WITHOUT LEFT VENTRICULAR NONCOMPACTION. Identifiers: Orphanet 154, MedGen C2677338, MONDO:0012808, OMIM 612158.

Submissions (3):

Labcorp Genetics (formerly Invitae), Labcorp
Classification: Uncertain significance for Primary familial hypertrophic cardiomyopathy; Dilated cardiomyopathy 1AA. Last evaluated: 2024-05-07. Review status: criteria provided, single submitter. Criteria: Invitae Variant Classification Sherloc (09022015). Collection method: clinical testing. Allele origin: germline.
Comment: This sequence change replaces tryptophan, which is neutral and slightly polar, with glycine, which is neutral and non-polar, at codon 135 of the ACTN2 protein (p.Trp135Gly). This variant is not present in population databases (gnomAD no frequency). This variant has not been reported in the literature in individuals affected with ACTN2-related conditions. ClinVar contains an entry for this variant (Variation ID: 412271). Advanced modeling of protein sequence and biophysical properties (such as structural, functional, and spatial information, amino acid conservation, physicochemical variation, residue mobility, and thermodynamic stability) performed at Invitae indicates that this missense variant is expected to disrupt ACTN2 protein function with a positive predictive value of 80%. In summary, the available evidence is currently insufficient to determine the role of this variant in disease. Therefore, it has been classified as a Variant of Uncertain Significance.

Avery Lab, Oakland University
No classification provided (evidence only). Condition: Dilated cardiomyopathy 1AA; Hypertrophic cardiomyopathy 1. Review status: no classification provided. Collection method: in vitro. Allele origin: not applicable. Functional consequence: loss of function. Not counted in ClinVar's aggregate classification.

Avery Lab, Oakland University
No classification provided (evidence only). Condition: Dilated cardiomyopathy 1AA; Hypertrophic cardiomyopathy 1. Review status: no classification provided. Collection method: in vivo. Allele origin: not applicable. Functional consequence: loss of function. Not counted in ClinVar's aggregate classification.

NM_001103.4(ACTN2):c.403T>G (p.Trp135Gly)

Gene: ACTN2 (actinin alpha 2; plus strand). Cytogenetic location: 1q43.
Variant type: single nucleotide variant.
Coding change: c.403T>G on transcript NM_001103.4 (MANE Select); coding-DNA position 403, T replaced by G.
Protein change: p.Trp135Gly; replaces tryptophan 135 with glycine.
Molecular consequence: missense variant. On other transcripts: 5 prime UTR variant (1).
Genome position (GRCh38, 1-based): chr1:236,720,146, T>G. VCF-style: chr1-236720146-T-G. GRCh37 (hg19) VCF-style: chr1-236883446-T-G.
Other names: c.403T>G, p.Trp135Gly (NM_001278343.2); c.-419T>G (NM_001278344.2); short protein forms W135G.
Identifiers: ClinVar variation 412271 (VCV000412271.10), dbSNP rs1060503684, ClinGen allele CA16609986.
Genomic context (GRCh38, chr1:236,720,146, plus strand): 5'-GTTGTTTTCTTACCTGCAGAAATTGTTGATGGCAACGTGAAAATGACCCTGGGTATGATC[T>G]GGACCATCATCCTTCGCTTTGCTATTCAGGATATTTCGGTTGAAGGTAAAAGACATGGTT-3'
Protein context (NP_001094.1, residues 125-145): GNVKMTLGMI[Trp135Gly]TIILRFAIQD